The following is an entry in ClinVar:

ClinVar aggregate classification (germline): Likely benign (1 of 4 stars; one submission).

Allele frequency attached by ClinVar (database versions not stated): gnomAD exomes below 0.00001.
gnomAD v4.1: 9 of 1,611,914 alleles (0.00056%); highest among the groups gnomAD compares: South Asian, 0.0011%; no homozygotes.

Submission:

GeneDx
Classification: Likely benign. Last evaluated: 2018-01-25. Review status: criteria provided, single submitter. Criteria: GeneDx Variant Classification (06012015). Collection method: clinical testing. Allele origin: germline. Affected: yes.
Comment: This variant is considered likely benign or benign based on one or more of the following criteria: it is a conservative change, it occurs at a poorly conserved position in the protein, it is predicted to be benign by multiple in silico algorithms, and/or has population frequency not consistent with disease.

NM_033337.3(CAV3):c.115-9C>T

Genes: CAV3 (caveolin 3; plus strand), OXTR (oxytocin receptor; minus strand). Cytogenetic location: 3p25.3.
Variant type: single nucleotide variant.
Coding change: c.115-9C>T on transcript NM_033337.3 (MANE Select); 9 bases into the intron before coding-DNA position 115, C replaced by T.
Molecular consequence: intron variant.
Genome position (GRCh38, 1-based): chr3:8,745,517, C>T. VCF-style: chr3-8745517-C-T. GRCh37 (hg19) VCF-style: chr3-8787203-C-T.
Other names: c.115-9C>T (NM_001234.5).
Identifiers: ClinVar variation 515050 (VCV000515050.1), dbSNP rs1367760550, ClinGen allele CA541211257.